The following is an entry in ClinVar:

Conditions:
Breast-ovarian cancer, familial, susceptibility to, 1 (BROVCA1). Also called: BRCA1 Hereditary Breast and Ovarian Cancer; OVARIAN CANCER, SUSCEPTIBILITY TO. Identifiers: Orphanet 145, MedGen C2676676, MONDO:0011450, OMIM 604370. Disease mechanism: loss of function.

Submission:

Brotman Baty Institute, University of Washington
No classification provided (evidence only). Condition: Breast-ovarian cancer, familial 1. Review status: no classification provided. Collection method: in vitro. Allele origin: not applicable. Functional consequence: functionally_normal.
ClinVar note: "not provided" was previously submitted as the classification for the variant. However, the classification appeared to be based only on an observation of functional data so it was converted to no classification on 2025-07-30.

NM_007294.4(BRCA1):c.5193+21A>G

Gene: BRCA1 (BRCA1 DNA repair associated; minus strand). Cytogenetic location: 17q21.31.
Variant type: single nucleotide variant.
Coding change: c.5193+21A>G on transcript NM_007294.4 (MANE Select); 21 bases into the intron after coding-DNA position 5193, A replaced by G.
Molecular consequence: intron variant.
Genome position (GRCh38, 1-based): chr17:43,063,312, T>C on the plus strand (A>G on the coding strand, the complement: BRCA1 is on the minus strand). VCF-style: chr17-43063312-T-C. GRCh37 (hg19) VCF-style: chr17-41215329-T-C.
Other names: c.1503+21A>G (NM_001408510.1); c.4983+21A>G (NM_001407885.1, NM_001407886.1, NM_001407881.1 and 5 more transcripts); c.1737+21A>G (NM_001408470.1, NM_001408469.1, NM_001408468.1); c.5046+21A>G (NM_001407848.1, NM_001407839.1, NM_001407842.1 and 12 more transcripts); c.5049+21A>G (NM_001407745.1, NM_001407737.1, NM_001407746.1 and 21 more transcripts); c.4929+21A>G (NM_001407922.1, NM_001407925.1, NM_001407921.1 and 4 more transcripts); c.1743+21A>G (NM_001408453.1, NM_001408455.1, NM_001408452.1 and 3 more transcripts); c.5052+21A>G (NM_001407728.1, NM_007297.4, NM_001407731.1 and 13 more transcripts); and 72 more.
Identifiers: ClinVar variation 867811 (VCV000867811.3), dbSNP rs2051849182, ClinGen allele CA916079992.